The following is an entry in ClinVar:

NM_017514.5(PLXNA3):c.4408C>T (p.Arg1470Cys)

Gene: PLXNA3 (plexin A3; plus strand). Cytogenetic location: Xq28.
Variant type: single nucleotide variant.
Coding change: c.4408C>T on transcript NM_017514.5 (MANE Select); coding-DNA position 4408, C replaced by T.
Protein change: p.Arg1470Cys; replaces arginine 1470 with cysteine.
Molecular consequence: missense variant.
Genome position (GRCh38, 1-based): chrX:154,468,943, C>T. VCF-style: chrX-154468943-C-T. GRCh37 (hg19) VCF-style: chrX-153697286-C-T.
Other names: short protein forms R1470C.
Identifiers: ClinVar variation 4762217 (VCV004762217.1).

ClinVar aggregate classification (germline): Uncertain significance (1 of 4 stars; one submission).

gnomAD v4.1: 2 of 1,211,907 alleles (0.00017%); highest among the groups gnomAD compares: Non-Finnish European, 0.00022%; no homozygotes.

Submission:

Labcorp Genetics (formerly Invitae), Labcorp
Classification: Uncertain significance. Last evaluated: 2025-12-16. Review status: criteria provided, single submitter. Criteria: Invitae Variant Classification Sherloc (09022015). Collection method: clinical testing. Allele origin: germline.
Comment: This sequence change replaces arginine, which is basic and polar, with cysteine, which is neutral and slightly polar, at codon 1470 of the PLXNA3 protein (p.Arg1470Cys). This variant is not present in population databases (gnomAD no frequency). This variant has not been reported in the literature in individuals affected with PLXNA3-related conditions. Invitae Evidence Modeling of protein sequence and biophysical properties (such as structural, functional, and spatial information, amino acid conservation, physicochemical variation, residue mobility, and thermodynamic stability) indicates that this missense variant is expected to disrupt PLXNA3 protein function with a positive predictive value of 80%. In summary, the available evidence is currently insufficient to determine the role of this variant in disease. Therefore, it has been classified as a Variant of Uncertain Significance.